The following is an entry in ClinVar:

NM_001303052.2(MYT1L):c.436G>T (p.Gly146Ter)

Gene: MYT1L (myelin transcription factor 1 like; minus strand). Cytogenetic location: 2p25.3.
Variant type: single nucleotide variant.
Coding change: c.436G>T on transcript NM_001303052.2 (MANE Select); coding-DNA position 436, G replaced by T.
Protein change: p.Gly146Ter; replaces glycine 146 with a stop codon.
Molecular consequence: nonsense.
Genome position (GRCh38, 1-based): chr2:1,943,051, C>A on the plus strand (G>T on the coding strand, the complement: MYT1L is on the minus strand). VCF-style: chr2-1943051-C-A. GRCh37 (hg19) VCF-style: chr2-1946823-C-A.
Other names: c.436G>T, p.Gly146Ter (NM_001329844.2, NM_001329845.1, NM_001329846.3 and 6 more transcripts); short protein forms G146*.
Identifiers: ClinVar variation 4796621 (VCV004796621.1).

ClinVar aggregate classification (germline): Likely pathogenic (1 of 4 stars; one submission).

Conditions:
Intellectual developmental disorder, autosomal dominant 39. Also called: Mental retardation, autosomal dominant 39; Intellectual disability, autosomal dominant 39. Identifiers: MedGen C4225296, MONDO:0014678, OMIM 616521.

gnomAD v4.1: 1 of 1,481,178 alleles (0.000068%); highest among the groups gnomAD compares: Non-Finnish European, 0.000092%; no homozygotes.

Submission:

Juno Genomics, Hangzhou Juno Genomics, Inc
Classification: Likely pathogenic for Intellectual developmental disorder, autosomal dominant 39. Review status: criteria provided, single submitter. Criteria: ACMG Guidelines, 2015. Collection method: clinical testing. Allele origin: germline. Affected: yes.
Comment: Absent from controls (or at extremely low frequency if recessive) in Genome Aggregation Database, Exome Sequencing Project, 1000 Genomes Project, or Exome Aggregation Consortium.;Null variant in a gene where loss of function (LOF) is a known mechanism of disease.